The following is an entry in ClinVar:

ClinVar aggregate classification (germline): Uncertain significance. Review status: criteria provided, multiple submitters, no conflicts (2 of 4 stars). 3 submissions from 3 submitters: Uncertain significance (3). Last evaluated 2023-10-13.

Conditions:
Epilepsy, familial adult myoclonic, 5 (EPEO5). Also called: CORTICAL MYOCLONIC TREMOR WITH EPILEPSY, FAMILIAL, 5. Identifiers: Orphanet 86814, MedGen C3809374, MONDO:0014167, OMIM 615400.

Allele frequency attached by ClinVar (database versions not stated): gnomAD exomes 0.00001 and 0.00003; ExAC 0.00004; gnomAD 0.00005; TOPMed 0.00007; ESP Exome Variant Server 0.00008.
gnomAD v4.1: 25 of 1,613,924 alleles (0.0015%); highest among the groups gnomAD compares: Admixed American, 0.01%; no homozygotes.

Submissions (3):

Labcorp Genetics (formerly Invitae), Labcorp
Classification: Uncertain significance for Epilepsy, familial adult myoclonic, 5. Last evaluated: 2023-10-13. Review status: criteria provided, single submitter. Criteria: Invitae Variant Classification Sherloc (09022015). Collection method: clinical testing. Allele origin: germline.
Comment: This sequence change replaces arginine, which is basic and polar, with glutamine, which is neutral and polar, at codon 914 of the CNTN2 protein (p.Arg914Gln). This variant is present in population databases (rs373583840, gnomAD 0.02%). This variant has not been reported in the literature in individuals affected with CNTN2-related conditions. ClinVar contains an entry for this variant (Variation ID: 572426). Advanced modeling of protein sequence and biophysical properties (such as structural, functional, and spatial information, amino acid conservation, physicochemical variation, residue mobility, and thermodynamic stability) performed at Invitae indicates that this missense variant is not expected to disrupt CNTN2 protein function. In summary, the available evidence is currently insufficient to determine the role of this variant in disease. Therefore, it has been classified as a Variant of Uncertain Significance.

Fulgent Genetics
Classification: Uncertain significance for Epilepsy, familial adult myoclonic, 5. Last evaluated: 2021-09-01. Review status: criteria provided, single submitter. Criteria: ACMG Guidelines, 2015. Collection method: clinical testing. Allele origin: unknown.

Ambry Genetics
Classification: Uncertain significance. Last evaluated: 2021-08-12. Review status: criteria provided, single submitter. Criteria: Ambry Variant Classification Scheme 2023. Collection method: clinical testing. Allele origin: germline.

NM_005076.5(CNTN2):c.2741G>A (p.Arg914Gln)

Genes: CNTN2 (contactin 2; plus strand), LOC126805985 (MED14-independent group 3 enhancer GRCh37_chr1:205041546-205042745; plus strand). Cytogenetic location: 1q32.1.
Variant type: single nucleotide variant.
Coding change: c.2741G>A on transcript NM_005076.5 (MANE Select); coding-DNA position 2741, G replaced by A.
Protein change: p.Arg914Gln; replaces arginine 914 with glutamine.
Molecular consequence: missense variant. On other transcripts: non-coding transcript variant (1).
Genome position (GRCh38, 1-based): chr1:205,072,492, G>A. VCF-style: chr1-205072492-G-A. GRCh37 (hg19) VCF-style: chr1-205041620-G-A.
Other names: c.2741G>A, p.Arg914Gln (NM_001346083.2); short protein forms R914Q.
Identifiers: ClinVar variation 572426 (VCV000572426.7), dbSNP rs373583840, ClinGen allele CA1351792.
Genomic context (GRCh38, chr1:205,072,492, plus strand): 5'-GGGGTGCCAGGGAAACGTTTGGACATCTCTCCAATTCTTCCTCTCTGGCAGCTCCGCGGC[G>A]ACCTCCTGGCAACATCTCCTGGACTTTCTCAAGCTCTAGTCTTAGCATTAAGTGGGACCC-3'
Protein context (NP_005067.1, residues 904-924): NATTMKPPPR[Arg914Gln]PPGNISWTFS